The following is an entry in ClinVar:

ClinVar aggregate classification (germline): Uncertain significance. Review status: criteria provided, multiple submitters, no conflicts (2 of 4 stars). 2 submissions from 2 submitters: Uncertain significance (2). Last evaluated 2025-06-10.

Conditions:
Acyl-CoA oxidase deficiency. Also called: Peroxisomal acyl-CoA oxidase deficiency; STRAIGHT-CHAIN ACYL-CoA OXIDASE DEFICIENCY; Pseudoneonatal adrenoleukodystrophy. Identifiers: Orphanet 2971, MedGen C1849678, MONDO:0009919, OMIM 264470. Disease mechanism: loss of function.
Inborn genetic diseases. Identifiers: MedGen C0950123, MeSH D030342.

Allele frequency attached by ClinVar (database versions not stated): ExAC 0.00002; TOPMed 0.00002; gnomAD 0.00003; gnomAD exomes 0.00004.
gnomAD v4.1: 60 of 1,614,040 alleles (0.0037%); highest among the groups gnomAD compares: Non-Finnish European, 0.0051%; no homozygotes.

Submissions (2):

Ambry Genetics
Classification: Uncertain significance for Inborn genetic diseases. Last evaluated: 2025-06-10. Review status: criteria provided, single submitter. Criteria: Ambry Variant Classification Scheme 2023. Collection method: clinical testing. Allele origin: germline.

Labcorp Genetics (formerly Invitae), Labcorp
Classification: Uncertain significance for Acyl-CoA oxidase deficiency. Last evaluated: 2024-05-06. Review status: criteria provided, single submitter. Criteria: Invitae Variant Classification Sherloc (09022015). Collection method: clinical testing. Allele origin: germline.
Comment: This sequence change replaces glutamic acid, which is acidic and polar, with lysine, which is basic and polar, at codon 594 of the ACOX1 protein (p.Glu594Lys). This variant is present in population databases (rs544022883, gnomAD 0.005%). This variant has not been reported in the literature in individuals affected with ACOX1-related conditions. ClinVar contains an entry for this variant (Variation ID: 2160890). Advanced modeling of protein sequence and biophysical properties (such as structural, functional, and spatial information, amino acid conservation, physicochemical variation, residue mobility, and thermodynamic stability) performed at Invitae indicates that this missense variant is not expected to disrupt ACOX1 protein function with a negative predictive value of 80%. In summary, the available evidence is currently insufficient to determine the role of this variant in disease. Therefore, it has been classified as a Variant of Uncertain Significance.

NM_004035.7(ACOX1):c.1780G>A (p.Glu594Lys)

Gene: ACOX1 (acyl-CoA oxidase 1; minus strand). Cytogenetic location: 17q25.1.
Variant type: single nucleotide variant.
Coding change: c.1780G>A on transcript NM_004035.7 (MANE Select); coding-DNA position 1780, G replaced by A.
Protein change: p.Glu594Lys; replaces glutamic acid 594 with lysine.
Molecular consequence: missense variant.
Genome position (GRCh38, 1-based): chr17:75,948,406, C>T on the plus strand (G>A on the coding strand, the complement: ACOX1 is on the minus strand). VCF-style: chr17-75948406-C-T. GRCh37 (hg19) VCF-style: chr17-73944487-C-T.
Other names: c.1666G>A, p.Glu556Lys (NM_001185039.2); c.1780G>A, p.Glu594Lys (NM_007292.6); c.1780G>A (NM_004035.6); short protein forms E556K, E594K.
Identifiers: ClinVar variation 2160890 (VCV002160890.4), dbSNP rs544022883, ClinGen allele CA8776658.